The following is an entry in ClinVar:

NM_005909.5(MAP1B):c.185G>C (p.Gly62Ala)

Gene: MAP1B (microtubule associated protein 1B; plus strand). Cytogenetic location: 5q13.2.
Variant type: single nucleotide variant.
Coding change: c.185G>C on transcript NM_005909.5 (MANE Select); coding-DNA position 185, G replaced by C.
Protein change: p.Gly62Ala; replaces glycine 62 with alanine.
Molecular consequence: missense variant.
Genome position (GRCh38, 1-based): chr5:72,115,698, G>C. VCF-style: chr5-72115698-G-C. GRCh37 (hg19) VCF-style: chr5-71411525-G-C.
Other names: short protein forms G62A.
Identifiers: ClinVar variation 3603217 (VCV003603217.1).

ClinVar aggregate classification (germline): Uncertain significance (1 of 4 stars; one submission).

gnomAD v4.1: 1 of 1,591,302 alleles (0.000063%); highest among the groups gnomAD compares: African/African-American, 0.0013%; no homozygotes.

Submission:

GeneDx
Classification: Uncertain significance. Last evaluated: 2024-08-06. Review status: criteria provided, single submitter. Criteria: GeneDx Variant Classification Process June 2021. Collection method: clinical testing. Allele origin: germline. Affected: yes.
Comment: Not observed at significant frequency in large population cohorts (gnomAD); In silico analysis supports that this missense variant has a deleterious effect on protein structure/function; Has not been previously published as pathogenic or benign to our knowledge